The following is an entry in ClinVar:

NM_020117.11(LARS1):c.771+2T>G

Gene: LARS1 (leucyl-tRNA synthetase 1; minus strand). Cytogenetic location: 5q32.
Variant type: single nucleotide variant.
Coding change: c.771+2T>G on transcript NM_020117.11 (MANE Select); the canonical splice donor site of the intron after coding-DNA position 771, T replaced by G.
Molecular consequence: splice donor variant.
Genome position (GRCh38, 1-based): chr5:146,159,405, A>C on the plus strand (T>G on the coding strand, the complement: LARS1 is on the minus strand). VCF-style: chr5-146159405-A-C. GRCh37 (hg19) VCF-style: chr5-145538968-A-C.
Other names: c.609+2T>G (NM_001317965.2); c.690+2T>G (NM_016460.4); c.633+2T>G (NM_001317964.2).
Identifiers: ClinVar variation 1912446 (VCV001912446.5), dbSNP rs79071028, ClinGen allele CA128856363.

ClinVar aggregate classification (germline): Likely pathogenic (1 of 4 stars; one submission).

Allele frequency attached by ClinVar (database versions not stated): TOPMed below 0.00001; gnomAD 0.00001.
gnomAD v4.1: 1 of 1,605,356 alleles (0.000062%); highest among the groups gnomAD compares: Non-Finnish European, 0.000085%; no homozygotes.

Submission:

Labcorp Genetics (formerly Invitae), Labcorp
Classification: Likely pathogenic. Last evaluated: 2025-10-02. Review status: criteria provided, single submitter. Criteria: Invitae Variant Classification Sherloc (09022015). Collection method: clinical testing. Allele origin: germline.
Comment: This sequence change affects a donor splice site in intron 8 of the LARS gene. It is expected to disrupt RNA splicing. Variants that disrupt the donor or acceptor splice site typically lead to a loss of protein function (PMID: 16199547), and loss-of-function variants in LARS are known to be pathogenic (PMID: 32699352, 33300650). This variant is not present in population databases (gnomAD no frequency). This variant has not been reported in the literature in individuals affected with LARS-related conditions. ClinVar contains an entry for this variant (Variation ID: 1912446). Algorithms developed to predict the effect of sequence changes on RNA splicing suggest that this variant may disrupt the consensus splice site. In summary, the currently available evidence indicates that the variant is pathogenic, but additional data are needed to prove that conclusively. Therefore, this variant has been classified as Likely Pathogenic.

Literature cited by the submitters: PubMed 16199547; PubMed 32699352; PubMed 33300650.